The following is an entry in ClinVar:

NM_015512.5(DNAH1):c.10914C>T (p.Asn3638=)

Gene: DNAH1 (dynein axonemal heavy chain 1; plus strand). Cytogenetic location: 3p21.1.
Variant type: single nucleotide variant.
Coding change: c.10914C>T on transcript NM_015512.5 (MANE Select); coding-DNA position 10914, C replaced by T.
Protein change: p.Asn3638=; no amino-acid change (asparagine 3638 retained).
Molecular consequence: synonymous variant.
Genome position (GRCh38, 1-based): chr3:52,395,005, C>T. VCF-style: chr3-52395005-C-T. GRCh37 (hg19) VCF-style: chr3-52429021-C-T.
Other names: c.10914C>T (NM_015512.4).
Identifiers: ClinVar variation 1595358 (VCV001595358.10), dbSNP rs374622615, ClinGen allele CA2435996.
Genomic context (GRCh38, chr3:52,395,005, plus strand): 5'-CCTAGACCAGTTCCAGAAGCTGCTAGTCCTCCGCTGCCTGCGTGGGGACAAGGTTACCAA[C>T]GCCATGCAGGACTTTGTGGCCACCAACCTGGAGCCACGCTTCATTGAACCCCAGGCAAGT-3'
Protein context (NP_056327.4, residues 3628-3648): LRCLRGDKVT[Asn3638=]AMQDFVATNL

ClinVar aggregate classification (germline): Likely benign. Review status: criteria provided, single submitter (1 of 4 stars). 2 submissions from 2 submitters: Likely benign (1). 1 of the submissions does not count toward it. Last evaluated 2025-10-13.

Conditions:
Spermatogenic failure 18. Identifiers: MedGen C4539783, MONDO:0054615, OMIM 617576.
Ciliary dyskinesia, primary, 37 (CILD37). Also called: CILIARY DYSKINESIA, PRIMARY, 37, WITH OR WITHOUT SITUS INVERSUS. Identifiers: MedGen C4539798, MONDO:0033204, OMIM 617577.
DNAH1-related disorder. Also called: DNAH1-related condition.

Allele frequency attached by ClinVar (database versions not stated): gnomAD 0.00006; 1000 Genomes Project 0.00020; ESP Exome Variant Server 0.00008; 1000 Genomes Project 30x 0.00016; TOPMed 0.00006; ExAC 0.00007; gnomAD exomes 0.00009.
gnomAD v4.1: 140 of 1,612,022 alleles (0.0087%); highest among the groups gnomAD compares: Admixed American, 0.013%; no homozygotes.

Submissions (2):

Labcorp Genetics (formerly Invitae), Labcorp
Classification: Likely benign for Ciliary dyskinesia, primary, 37; Spermatogenic failure 18. Last evaluated: 2025-10-13. Review status: criteria provided, single submitter. Criteria: Invitae Variant Classification Sherloc (09022015). Collection method: clinical testing. Allele origin: germline.

PreventionGenetics, part of Exact Sciences
Classification: Likely benign for DNAH1-related condition. Last evaluated: 2019-03-13. Review status: no assertion criteria provided. Collection method: clinical testing. Allele origin: germline. Not counted in ClinVar's aggregate classification.
Comment: This variant is classified as likely benign based on ACMG/AMP sequence variant interpretation guidelines (Richards et al. 2015 PMID: 25741868, with internal and published modifications).